The following is an entry in ClinVar:

ClinVar aggregate classification (germline): Likely benign. Review status: criteria provided, multiple submitters, no conflicts (2 of 4 stars). 2 submissions from 2 submitters: Likely benign (2). Last evaluated 2024-10-02.

Conditions:
Cardiomyopathy (CMYO). Also called: Cardiomyopathies. Identifiers: Orphanet 167848, MedGen C0878544, MONDO:0004994, HP:0001638. Inheritance: Various modes of inheritance.
Hypertrophic cardiomyopathy. Also called: HYPERTROPHIC MYOCARDIOPATHY. Identifiers: Orphanet 217569, MedGen C0007194, MeSH D002312, MONDO:0005045, HP:0001639.

Submissions (2):

Labcorp Genetics (formerly Invitae), Labcorp
Classification: Likely benign for Hypertrophic cardiomyopathy. Last evaluated: 2024-10-02. Review status: criteria provided, single submitter. Criteria: Invitae Variant Classification Sherloc (09022015). Collection method: clinical testing. Allele origin: germline.

All of Us Research Program, National Institutes of Health
Classification: Likely benign for Cardiomyopathy. Last evaluated: 2023-05-04. Review status: criteria provided, single submitter. Criteria: ACMG Guidelines, 2015. Collection method: clinical testing. Allele origin: germline. Inheritance: Autosomal dominant inheritance. Observed: 1 variant allele, 1 heterozygote.
Comment: This study involves interpretation of variants in research participants for the purpose of population health screening. Participant phenotype was not available at the time of variant classification. Additional details can be found in publication PMID: 35346344, PMCID: PMC8962531

NM_000257.4(MYH7):c.3337-10G>C

Gene: MYH7 (myosin heavy chain 7; minus strand). Cytogenetic location: 14q11.2.
Variant type: single nucleotide variant.
Coding change: c.3337-10G>C on transcript NM_000257.4 (MANE Select); 10 bases into the intron before coding-DNA position 3337, G replaced by C.
Molecular consequence: intron variant.
Genome position (GRCh38, 1-based): chr14:23,420,244, C>G on the plus strand (G>C on the coding strand, the complement: MYH7 is on the minus strand). VCF-style: chr14-23420244-C-G. GRCh37 (hg19) VCF-style: chr14-23889453-C-G.
Other names: c.3337-10G>C (NM_001407004.1).
Identifiers: ClinVar variation 2907108 (VCV002907108.4), dbSNP rs397516181, ClinGen allele CA257815886.